The following is an entry in ClinVar:

ClinVar aggregate classification (germline): Uncertain significance (1 of 4 stars; one submission).

Submission:

Ambry Genetics
Classification: Uncertain significance. Last evaluated: 2022-08-29. Review status: criteria provided, single submitter. Criteria: Ambry Variant Classification Scheme 2023. Collection method: clinical testing. Allele origin: germline.
Comment: The p.T3268I variant (also known as c.9803C>T), located in coding exon 70 of the PRKDC gene, results from a C to T substitution at nucleotide position 9803. The threonine at codon 3268 is replaced by isoleucine, an amino acid with similar properties. This amino acid position is conserved. Since supporting evidence is limited at this time, the clinical significance of this alteration remains unclear.

NM_006904.7(PRKDC):c.9803C>T (p.Thr3268Ile)

Gene: PRKDC (protein kinase, DNA-activated, catalytic subunit; minus strand). Cytogenetic location: 8q11.21.
Variant type: single nucleotide variant.
Coding change: c.9803C>T on transcript NM_006904.7 (MANE Select); coding-DNA position 9803, C replaced by T.
Protein change: p.Thr3268Ile; replaces threonine 3268 with isoleucine.
Molecular consequence: missense variant.
Genome position (GRCh38, 1-based): chr8:47,803,425, G>A on the plus strand (C>T on the coding strand, the complement: PRKDC is on the minus strand). VCF-style: chr8-47803425-G-A. GRCh37 (hg19) VCF-style: chr8-48715986-G-A.
Other names: c.9803C>T, p.Thr3268Ile (NM_001081640.2); short protein forms T3268I.
Identifiers: ClinVar variation 1768267 (VCV001768267.2), dbSNP rs2551863354, ClinGen allele CA371136806.